The following is an entry in ClinVar:

NM_014795.4(ZEB2):c.481G>A (p.Val161Ile)

Gene: ZEB2 (zinc finger E-box binding homeobox 2; minus strand). Cytogenetic location: 2q22.3.
Variant type: single nucleotide variant.
Coding change: c.481G>A on transcript NM_014795.4 (MANE Select); coding-DNA position 481, G replaced by A.
Protein change: p.Val161Ile; replaces valine 161 with isoleucine.
Molecular consequence: missense variant.
Genome position (GRCh38, 1-based): chr2:144,404,947, C>T on the plus strand (G>A on the coding strand, the complement: ZEB2 is on the minus strand). VCF-style: chr2-144404947-C-T. GRCh37 (hg19) VCF-style: chr2-145162514-C-T.
Other names: c.409G>A, p.Val137Ile (NM_001171653.2); short protein forms V161I, V137I.
Identifiers: ClinVar variation 2158065 (VCV002158065.4), dbSNP rs767646648, ClinGen allele CA1898468.

ClinVar aggregate classification (germline): Uncertain significance (1 of 4 stars; one submission).

Conditions:
Mowat-Wilson syndrome (MOWS). Also called: Classic Mowat-Wilson Syndrome. Identifiers: Orphanet 2152, MedGen C1856113, MONDO:0009341, OMIM 235730.

Allele frequency attached by ClinVar (database versions not stated): ExAC 0.00001; gnomAD 0.00001; gnomAD exomes 0.00001.
gnomAD v4.1: 5 of 1,614,140 alleles (0.00031%); highest among the groups gnomAD compares: African/African-American, 0.0067%; no homozygotes.

Submission:

Labcorp Genetics (formerly Invitae), Labcorp
Classification: Uncertain significance for Mowat-Wilson syndrome. Last evaluated: 2022-07-27. Review status: criteria provided, single submitter. Criteria: Invitae Variant Classification Sherloc (09022015). Collection method: clinical testing. Allele origin: germline.
Comment: This sequence change replaces valine, which is neutral and non-polar, with isoleucine, which is neutral and non-polar, at codon 161 of the ZEB2 protein (p.Val161Ile). This variant is present in population databases (rs767646648, gnomAD 0.02%). This variant has not been reported in the literature in individuals affected with ZEB2-related conditions. Algorithms developed to predict the effect of missense changes on protein structure and function (SIFT, PolyPhen-2, Align-GVGD) all suggest that this variant is likely to be tolerated. In summary, the available evidence is currently insufficient to determine the role of this variant in disease. Therefore, it has been classified as a Variant of Uncertain Significance.